The following is an entry in ClinVar:

NM_016529.6(ATP8A2):c.1669C>G (p.Gln557Glu)

Gene: ATP8A2 (ATPase phospholipid transporting 8A2). Cytogenetic location: 13q12.13.
Variant type: single nucleotide variant.
Coding change: c.1669C>G on transcript NM_016529.6 (MANE Select); coding-DNA position 1669, C replaced by G.
Protein change: p.Gln557Glu; replaces glutamine 557 with glutamic acid.
Molecular consequence: missense variant.
Genome position (GRCh38, 1-based): chr13:25,574,814, C>G. VCF-style: chr13-25574814-C-G. GRCh37 (hg19) VCF-style: chr13-26148952-C-G.
Other names: c.1549C>G, p.Gln517Glu (NM_001313741.1); short protein forms Q517E, Q557E.
Identifiers: ClinVar variation 1502032 (VCV001502032.6), dbSNP rs2138200443, ClinGen allele CA387614634.

ClinVar aggregate classification (germline): Uncertain significance (1 of 4 stars; one submission).

Submission:

Labcorp Genetics (formerly Invitae), Labcorp
Classification: Uncertain significance. Last evaluated: 2021-11-06. Review status: criteria provided, single submitter. Criteria: Invitae Variant Classification Sherloc (09022015). Collection method: clinical testing. Allele origin: germline.
Comment: In summary, the available evidence is currently insufficient to determine the role of this variant in disease. Therefore, it has been classified as a Variant of Uncertain Significance. Algorithms developed to predict the effect of missense changes on protein structure and function output the following: SIFT: "Tolerated"; PolyPhen-2: "Benign"; Align-GVGD: "Class C0". The glutamic acid amino acid residue is found in multiple mammalian species, which suggests that this missense change does not adversely affect protein function. This variant has not been reported in the literature in individuals affected with ATP8A2-related conditions. This variant is not present in population databases (gnomAD no frequency). This sequence change replaces glutamine, which is neutral and polar, with glutamic acid, which is acidic and polar, at codon 557 of the ATP8A2 protein (p.Gln557Glu).